The following is an entry in ClinVar:

ClinVar aggregate classification (germline): Pathogenic (1 of 4 stars; one submission).

Submission:

Labcorp Genetics (formerly Invitae), Labcorp
Classification: Pathogenic. Last evaluated: 2023-05-15. Review status: criteria provided, single submitter. Criteria: Invitae Variant Classification Sherloc (09022015). Collection method: clinical testing. Allele origin: germline.
Comment: For these reasons, this variant has been classified as Pathogenic. This variant has not been reported in the literature in individuals affected with CTNNA1-related conditions. This variant is a gross deletion of the genomic region encompassing exon(s) 2-3 of the CTNNA1 gene, which includes the initiator codon. This deletion extends beyond the assayed region for this gene and therefore may encompass additional genes. It is expected to result in an absent or disrupted protein product. Loss-of-function variants in CTNNA1 are known to be pathogenic (PMID: 32051609, 34425242).

Literature cited by the submitters: PubMed 32051609; PubMed 34425242.

NC_000005.9:g.(?_138117614)_(138119071_?)del

Gene: CTNNA1 (catenin alpha 1; plus strand). Cytogenetic location: 5q31.2.
Variant type: Deletion.
Identifiers: ClinVar variation 1441992 (VCV001441992.5).